The following is an entry in ClinVar:

ClinVar aggregate classification (germline): Uncertain significance. Review status: criteria provided, multiple submitters, no conflicts (2 of 4 stars). 3 submissions from 3 submitters: Uncertain significance (2). 1 of the submissions does not count toward it. Last evaluated 2025-10-11.

Conditions:
Mucopolysaccharidosis type 6 (MPS6). Also called: MPS 6; Maroteaux Lamy syndrome; MPS VI; ARSB DEFICIENCY; ARYLSULFATASE B DEFICIENCY; N-ACETYLGALACTOSAMINE-4-SULFATASE DEFICIENCY. Identifiers: Orphanet 583, MedGen C0026709, MONDO:0009661, OMIM 253200.

Allele frequency attached by ClinVar (database versions not stated): TOPMed 0.00003; gnomAD 0.00004 and 0.00005; gnomAD exomes 0.00004 and 0.00008; ExAC 0.00005; ESP Exome Variant Server 0.00008.
gnomAD v4.1: 123 of 1,614,056 alleles (0.0076%); highest among the groups gnomAD compares: Non-Finnish European, 0.0098%; no homozygotes.

Submissions (3):

Labcorp Genetics (formerly Invitae), Labcorp
Classification: Uncertain significance for Mucopolysaccharidosis type 6. Last evaluated: 2025-10-11. Review status: criteria provided, single submitter. Criteria: Invitae Variant Classification Sherloc (09022015). Collection method: clinical testing. Allele origin: germline.
Comment: This sequence change replaces valine, which is neutral and non-polar, with isoleucine, which is neutral and non-polar, at codon 495 of the ARSB protein (p.Val495Ile). This variant is present in population databases (rs138643812, gnomAD 0.01%). This variant has not been reported in the literature in individuals affected with ARSB-related conditions. ClinVar contains an entry for this variant (Variation ID: 907763). Invitae Evidence Modeling of protein sequence and biophysical properties (such as structural, functional, and spatial information, amino acid conservation, physicochemical variation, residue mobility, and thermodynamic stability) indicates that this missense variant is expected to disrupt ARSB protein function with a positive predictive value of 95%. In summary, the available evidence is currently insufficient to determine the role of this variant in disease. Therefore, it has been classified as a Variant of Uncertain Significance.

Illumina Laboratory Services, Illumina
Classification: Uncertain significance for Mucopolysaccharidosis type 6. Last evaluated: 2017-04-27. Review status: criteria provided, single submitter. Criteria: ICSL Variant Classification Criteria 13 December 2019. Collection method: clinical testing. Allele origin: germline.
Comment: This variant was observed as part of a predisposition screen in an ostensibly healthy population. A literature search was performed for the gene, cDNA change, and amino acid change (where applicable). Publications were found based on this search. However, the evidence from the literature, in combination with allele frequency data from public databases where available, was not sufficient to rule this variant in or out of causing disease. Therefore, this variant is classified as a variant of unknown significance.

Natera, Inc.
Classification: Uncertain significance for Mucopolysaccharidosis type VI. Last evaluated: 2020-03-04. Review status: no assertion criteria provided. Collection method: clinical testing. Allele origin: germline. Not counted in ClinVar's aggregate classification.

Literature cited by the submitters: PubMed 17458871 (cited by Illumina Laboratory Services, Illumina).

NM_000046.5(ARSB):c.1483G>A (p.Val495Ile)

Gene: ARSB (arylsulfatase B; minus strand). Cytogenetic location: 5q14.1.
Variant type: single nucleotide variant.
Coding change: c.1483G>A on transcript NM_000046.5 (MANE Select); coding-DNA position 1483, G replaced by A.
Protein change: p.Val495Ile; replaces valine 495 with isoleucine.
Molecular consequence: missense variant.
Genome position (GRCh38, 1-based): chr5:78,780,516, C>T on the plus strand (G>A on the coding strand, the complement: ARSB is on the minus strand). VCF-style: chr5-78780516-C-T. GRCh37 (hg19) VCF-style: chr5-78076339-C-T.
Other names: short protein forms V495I.
Identifiers: ClinVar variation 907763 (VCV000907763.11), dbSNP rs138643812, ClinGen allele CA3317976.